The following is an entry in ClinVar:

ClinVar aggregate classification (germline): Uncertain significance. Review status: criteria provided, multiple submitters, no conflicts (2 of 4 stars). 2 submissions from 2 submitters: Uncertain significance (2). Last evaluated 2025-08-31.

Conditions:
Hepatic methionine adenosyltransferase deficiency. Also called: Isolated Persistent Hypermethioninemia; MAT I/III DEFICIENCY; Deficiency of methionine adenosyltransferase; Methionine adenosyltransferase deficiency. Identifiers: Orphanet 168598, MedGen C0268621, MeSH C564683, MONDO:0009607, OMIM 250850.
Inborn genetic diseases. Identifiers: MedGen C0950123, MeSH D030342.

Submissions (2):

Ambry Genetics
Classification: Uncertain significance for Inborn genetic diseases. Last evaluated: 2025-08-31. Review status: criteria provided, single submitter. Criteria: Ambry Variant Classification Scheme 2023. Collection method: clinical testing. Allele origin: germline.

Labcorp Genetics (formerly Invitae), Labcorp
Classification: Uncertain significance for Hepatic methionine adenosyltransferase deficiency. Last evaluated: 2025-05-13. Review status: criteria provided, single submitter. Criteria: Invitae Variant Classification Sherloc (09022015). Collection method: clinical testing. Allele origin: germline.
Comment: This sequence change replaces aspartic acid, which is acidic and polar, with asparagine, which is neutral and polar, at codon 354 of the MAT1A protein (p.Asp354Asn). This variant is present in population databases (no rsID available, gnomAD 0.006%). This variant has not been reported in the literature in individuals affected with MAT1A-related conditions. Invitae Evidence Modeling of protein sequence and biophysical properties (such as structural, functional, and spatial information, amino acid conservation, physicochemical variation, residue mobility, and thermodynamic stability) indicates that this missense variant is not expected to disrupt MAT1A protein function with a negative predictive value of 80%. In summary, the available evidence is currently insufficient to determine the role of this variant in disease. Therefore, it has been classified as a Variant of Uncertain Significance.

NM_000429.3(MAT1A):c.1060G>A (p.Asp354Asn)

Gene: MAT1A (methionine adenosyltransferase 1A; minus strand). Cytogenetic location: 10q22.3.
Variant type: single nucleotide variant.
Coding change: c.1060G>A on transcript NM_000429.3 (MANE Select); coding-DNA position 1060, G replaced by A.
Protein change: p.Asp354Asn; replaces aspartic acid 354 with asparagine.
Molecular consequence: missense variant.
Genome position (GRCh38, 1-based): chr10:80,274,545, C>T on the plus strand (G>A on the coding strand, the complement: MAT1A is on the minus strand). VCF-style: chr10-80274545-C-T. GRCh37 (hg19) VCF-style: chr10-82034301-C-T.
Other names: short protein forms D354N.
Identifiers: ClinVar variation 4104411 (VCV004104411.2).